The following is an entry in ClinVar:

ClinVar aggregate classification (germline): Uncertain significance. Review status: criteria provided, multiple submitters, no conflicts (2 of 4 stars). 2 submissions from 2 submitters: Uncertain significance (2). Last evaluated 2025-06-10.

Conditions:
Inborn genetic diseases. Identifiers: MedGen C0950123, MeSH D030342.

Allele frequency attached by ClinVar (database versions not stated): TOPMed 0.00001; gnomAD 0.00002.
gnomAD v4.1: 2 of 1,204,246 alleles (0.00017%); highest among the groups gnomAD compares: African/African-American, 0.0035%; no homozygotes.

Submissions (2):

Ambry Genetics
Classification: Uncertain significance for Inborn genetic diseases. Last evaluated: 2025-06-10. Review status: criteria provided, single submitter. Criteria: Ambry Variant Classification Scheme 2023. Collection method: clinical testing. Allele origin: germline.

GeneDx
Classification: Uncertain significance. Last evaluated: 2023-04-13. Review status: criteria provided, single submitter. Criteria: GeneDx Variant Classification Process June 2021. Collection method: clinical testing. Allele origin: germline. Affected: yes.
Comment: Not observed at significant frequency in large population cohorts (gnomAD); In silico analysis supports that this missense variant has a deleterious effect on protein structure/function; Has not been previously published as pathogenic or benign to our knowledge

NM_153252.5(BRWD3):c.4236C>G (p.Ile1412Met)

Gene: BRWD3 (bromodomain and WD repeat domain containing 3; minus strand). Cytogenetic location: Xq21.1.
Variant type: single nucleotide variant.
Coding change: c.4236C>G on transcript NM_153252.5 (MANE Select); coding-DNA position 4236, C replaced by G.
Protein change: p.Ile1412Met; replaces isoleucine 1412 with methionine.
Molecular consequence: missense variant.
Genome position (GRCh38, 1-based): chrX:80,682,626, G>C on the plus strand (C>G on the coding strand, the complement: BRWD3 is on the minus strand). VCF-style: chrX-80682626-G-C. GRCh37 (hg19) VCF-style: chrX-79938125-G-C.
Other names: short protein forms I1412M.
Identifiers: ClinVar variation 2662687 (VCV002662687.2), dbSNP rs1240264814, ClinGen allele CA413610247.